The following is an entry in ClinVar:

ClinVar aggregate classification (germline): Likely pathogenic. Review status: criteria provided, multiple submitters, no conflicts (2 of 4 stars). 2 submissions from 2 submitters: Likely pathogenic (2). Last evaluated 2023-05-29.

Conditions:
Budd-Chiari syndrome (BDCHS). Also called: Hepatic vein obstruction. Identifiers: Orphanet 131, MedGen C0856761, MONDO:0010947, OMIM 600880, HP:0002639.
Acquired polycythemia vera. Also called: Polycythemia vera, somatic; POLYCYTHEMIA RUBRA VERA; Suspected polycythemia vera. Identifiers: Orphanet 729, MedGen C0032463, MeSH D011087, MONDO:0009891, OMIM 263300.
Thrombocythemia 3 (THCYT3). Also called: THROMBOCYTOSIS 3; THROMBOCYTHEMIA 3, SOMATIC. Identifiers: MedGen C3281125, MONDO:0013794, OMIM 614521.
Primary familial polycythemia due to EPO receptor mutation. Also called: Primary Familial Congenital Polycythemia; ERYTHROCYTOSIS, SOMATIC; Erythrocytosis, familial, 1; POLYCYTHEMIA, PRIMARY FAMILIAL AND CONGENITAL. Identifiers: Orphanet 90042, MedGen C4551637, MONDO:0007572, OMIM 133100.
Primary myelofibrosis. Also called: Myelofibrosis, somatic. Identifiers: Orphanet 824, MedGen C0001815, MeSH D055728, MONDO:0009692, OMIM 254450.
Acute myeloid leukemia (AML). Also called: Acute granulocytic leukemia; Leukemia, acute myeloid, somatic; Leukemia, acute myelogenous, somatic; Acute myeloid leukemia, adult; AML adult; Acute non-lymphocytic leukemia. Identifiers: Orphanet 519, MedGen C0023467, MeSH D015470, MONDO:0018874, OMIM 601626, HP:0004808. Disease mechanism: Constitutively activated FLT3.

Allele frequency attached by ClinVar (database versions not stated): gnomAD exomes below 0.00001; TOPMed below 0.00001.
gnomAD v4.1: 3 of 1,475,678 alleles (0.0002%); highest among the groups gnomAD compares: Non-Finnish European, 0.00018%; no homozygotes.

Submissions (2):

Labcorp Genetics (formerly Invitae), Labcorp
Classification: Likely pathogenic. Last evaluated: 2023-05-29. Review status: criteria provided, single submitter. Criteria: Invitae Variant Classification Sherloc (09022015). Collection method: clinical testing. Allele origin: germline.
Comment: This sequence change replaces arginine, which is basic and polar, with glutamine, which is neutral and polar, at codon 867 of the JAK2 protein (p.Arg867Gln). The frequency data for this variant in the population databases is considered unreliable, as metrics indicate poor data quality at this position in the gnomAD database. In summary, the currently available evidence indicates that the variant is pathogenic, but additional data are needed to prove that conclusively. Therefore, this variant has been classified as Likely Pathogenic. Experimental studies are conflicting or provide insufficient evidence to determine the effect of this variant on JAK2 function (PMID: 24398328). Advanced modeling of protein sequence and biophysical properties (such as structural, functional, and spatial information, amino acid conservation, physicochemical variation, residue mobility, and thermodynamic stability) performed at Invitae indicates that this missense variant is not expected to disrupt JAK2 protein function. ClinVar contains an entry for this variant (Variation ID: 2136731). This missense change has been observed in individual(s) with thrombocytosis (PMID: 24398328, 29368262). It has also been observed to segregate with disease in related individuals.

Juno Genomics, Hangzhou Juno Genomics, Inc
Classification: Likely pathogenic for Budd-Chiari syndrome; Primary familial polycythemia due to EPO receptor mutation; Acute myeloid leukemia; Primary myelofibrosis; Acquired polycythemia vera; Thrombocythemia 3. Review status: criteria provided, single submitter. Criteria: ACMG Guidelines, 2015. Collection method: clinical testing. Allele origin: germline.
Comment: Absent from controls (or at extremely low frequency if recessive) in Genome Aggregation Database.;Multiple lines of computational evidence support a deleterious effect on the gene or gene product.;The prevalence of the variant in affected individuals is significantly increased compared to the prevalence in controls.;Patient's phenotype or family history is highly specific for a disease with a single genetic etiology.;Co-segregation with disease in multiple affected family members.

Literature cited by the submitters: PubMed 24398328 (cited by Labcorp Genetics (formerly Invitae), Labcorp); PubMed 29368262 (cited by Labcorp Genetics (formerly Invitae), Labcorp).

NM_004972.4(JAK2):c.2600G>A (p.Arg867Gln)

Genes: JAK2 (Janus kinase 2; plus strand), INSL6 (insulin like 6; minus strand). Cytogenetic location: 9p24.1.
Variant type: single nucleotide variant.
Coding change: c.2600G>A on transcript NM_004972.4 (MANE Select); coding-DNA position 2600, G replaced by A.
Protein change: p.Arg867Gln; replaces arginine 867 with glutamine.
Molecular consequence: missense variant. On other transcripts: non-coding transcript variant (2).
Genome position (GRCh38, 1-based): chr9:5,089,702, G>A. VCF-style: chr9-5089702-G-A. GRCh37 (hg19) VCF-style: chr9-5089702-G-A.
Other names: c.2600G>A, p.Arg867Gln (NM_001322194.2, NM_001322195.2, NM_001322196.2); c.1385G>A, p.Arg462Gln (NM_001322198.2, NM_001322199.2); c.2153G>A, p.Arg718Gln (NM_001322204.2); short protein forms R867Q, R462Q, R718Q.
Identifiers: ClinVar variation 2136731 (VCV002136731.6), dbSNP rs1486560342, ClinGen allele CA372828879.